The following is an entry in ClinVar:

NM_001130987.2(DYSF):c.6133C>T (p.Arg2045Trp)

Gene: DYSF (dysferlin; plus strand). Cytogenetic location: 2p13.2.
Variant type: single nucleotide variant.
Coding change: c.6133C>T on transcript NM_001130987.2 (MANE Select); coding-DNA position 6133, C replaced by T.
Protein change: p.Arg2045Trp; replaces arginine 2045 with tryptophan.
Molecular consequence: missense variant.
Genome position (GRCh38, 1-based): chr2:71,681,070, C>T. VCF-style: chr2-71681070-C-T. GRCh37 (hg19) VCF-style: chr2-71908200-C-T.
Other names: c.6019C>T, p.Arg2007Trp (NM_001130455.2); c.5974C>T, p.Arg1992Trp (NM_001130976.2); c.6037C>T, p.Arg2013Trp (NM_001130977.2); c.6079C>T, p.Arg2027Trp (NM_001130978.2); c.6109C>T, p.Arg2037Trp (NM_001130979.2); c.6067C>T, p.Arg2023Trp (NM_001130980.2); c.6130C>T, p.Arg2044Trp (NM_001130981.2); c.6112C>T, p.Arg2038Trp (NM_001130982.2); and 5 more; short protein forms R2045W, R2006W, R1992W, R2007W, R2027W, R2013W, R2014W, R2023W.
Identifiers: ClinVar variation 289559 (VCV000289559.11), dbSNP rs200921075, ClinGen allele CA1707601.

ClinVar aggregate classification (germline): Uncertain significance. Review status: criteria provided, multiple submitters, no conflicts (2 of 4 stars). 4 submissions from 4 submitters: Uncertain significance (3). 1 of the submissions does not count toward it. Last evaluated 2022-08-16.

Conditions:
Neuromuscular disease caused by qualitative or quantitative defects of dysferlin. Also called: Dysferlinopathy; Qualitative or quantitative defects of dysferlin. Identifiers: Orphanet 207073, MedGen C2931687, MONDO:0016145.
Autosomal recessive limb-girdle muscular dystrophy type 2B (LGMDR2). Also called: MUSCULAR DYSTROPHY, LIMB-GIRDLE, TYPE 3; Limb-Girdle Muscular Dystrophy Type 2B (LGMD2B); Limb-girdle muscular dystrophy, type 2B; MUSCULAR DYSTROPHY, LIMB-GIRDLE, AUTOSOMAL RECESSIVE 2. Identifiers: Orphanet 268, MedGen C1850889, MONDO:0009676, OMIM 253601.

Allele frequency attached by ClinVar (database versions not stated): ExAC 0.00001; gnomAD exomes 0.00001 and 0.00002; TOPMed 0.00003; gnomAD 0.00004.
gnomAD v4.1: 28 of 1,614,060 alleles (0.0017%); highest among the groups gnomAD compares: African/African-American, 0.017%; no homozygotes.

Submissions (4):

Labcorp Genetics (formerly Invitae), Labcorp
Classification: Uncertain significance for Neuromuscular disease caused by qualitative or quantitative defects of dysferlin. Last evaluated: 2022-08-16. Review status: criteria provided, single submitter. Criteria: Invitae Variant Classification Sherloc (09022015). Collection method: clinical testing. Allele origin: germline.
Comment: This sequence change replaces arginine, which is basic and polar, with tryptophan, which is neutral and slightly polar, at codon 2006 of the DYSF protein (p.Arg2006Trp). This variant is present in population databases (rs200921075, gnomAD 0.02%). This missense change has been observed in individual(s) with limb-girdle muscular dystrophy (PMID: 30564623; Invitae). ClinVar contains an entry for this variant (Variation ID: 289559). Advanced modeling of protein sequence and biophysical properties (such as structural, functional, and spatial information, amino acid conservation, physicochemical variation, residue mobility, and thermodynamic stability) performed at Invitae indicates that this missense variant is expected to disrupt DYSF protein function. In summary, the available evidence is currently insufficient to determine the role of this variant in disease. Therefore, it has been classified as a Variant of Uncertain Significance.

Revvity Omics, Revvity
Classification: Uncertain significance. Last evaluated: 2021-05-19. Review status: criteria provided, single submitter. Criteria: ACMG Guidelines, 2015. Collection method: clinical testing. Allele origin: germline.

Eurofins Ntd Llc (ga)
Classification: Uncertain significance. Last evaluated: 2016-07-25. Review status: criteria provided, single submitter. Criteria: EGL Classification Definitions 2015. Collection method: clinical testing. Allele origin: germline. Observed: 2 variant alleles, 2 heterozygotes.

Natera, Inc.
Classification: Uncertain significance for Limb-girdle muscular dystrophy type 2B. Last evaluated: 2020-02-26. Review status: no assertion criteria provided. Collection method: clinical testing. Allele origin: germline. Not counted in ClinVar's aggregate classification.

Literature cited by the submitters: PubMed 30564623 (cited by Labcorp Genetics (formerly Invitae), Labcorp).